The following is an entry in ClinVar:

ClinVar aggregate classification (germline): Conflicting classifications of pathogenicity. Review status: criteria provided, conflicting classifications (1 of 4 stars). 5 submissions from 5 submitters: Uncertain significance (2); Likely benign (3). Last evaluated 2026-03-26.

Conditions:
SERPINA1-related disorder. Also called: SERPINA1-related condition; SerpinA1-related disorders.
Inborn genetic diseases. Identifiers: MedGen C0950123, MeSH D030342.
Alpha-1-antitrypsin deficiency (A1ATD). Also called: AAT deficiency; A1AT deficiency; Alpha1-Antitrypsin Deficiency. Identifiers: Orphanet 60, MedGen C0221757, MONDO:0013282, OMIM 613490.

Allele frequency attached by ClinVar (database versions not stated): gnomAD exomes 0.00010 and 0.00007; ExAC 0.00011; gnomAD 0.00011; TOPMed 0.00006.
gnomAD v4.1: 117 of 1,613,978 alleles (0.0072%); highest among the groups gnomAD compares: Middle Eastern, 0.033%; no homozygotes.

Submissions (5):

PreventionGenetics, part of Exact Sciences
Classification: Likely benign for SERPINA1-related condition. Last evaluated: 2026-03-26. Review status: criteria provided, single submitter. Criteria: ACMG Guidelines, 2015. Collection method: clinical testing. Allele origin: germline.
Comment: This variant is classified as likely benign based on ACMG/AMP sequence variant interpretation guidelines (Richards et al. 2015 PMID: 25741868, with internal and published modifications).

Labcorp Genetics (formerly Invitae), Labcorp
Classification: Likely benign for Alpha-1-antitrypsin deficiency. Last evaluated: 2025-05-22. Review status: criteria provided, single submitter. Criteria: Invitae Variant Classification Sherloc (09022015). Collection method: clinical testing. Allele origin: germline.

Ambry Genetics
Classification: Likely benign for Inborn genetic diseases. Last evaluated: 2021-07-07. Review status: criteria provided, single submitter. Criteria: Ambry Variant Classification Scheme 2023. Collection method: clinical testing. Allele origin: germline.

Illumina Laboratory Services, Illumina
Classification: Uncertain significance for Alpha-1-antitrypsin deficiency. Last evaluated: 2018-01-12. Review status: criteria provided, single submitter. Criteria: ICSL Variant Classification Criteria 13 December 2019. Collection method: clinical testing. Allele origin: germline.

Eurofins Ntd Llc (ga)
Classification: Uncertain significance. Last evaluated: 2017-12-21. Review status: criteria provided, single submitter. Criteria: EGL Classification Definitions 2015. Collection method: clinical testing. Allele origin: germline. Observed: 1 variant allele, 1 heterozygote.

NM_000295.5(SERPINA1):c.1206T>C (p.Asn402=)

Gene: SERPINA1 (serpin family A member 1; minus strand). Cytogenetic location: 14q32.13.
Variant type: single nucleotide variant.
Coding change: c.1206T>C on transcript NM_000295.5 (MANE Select); coding-DNA position 1206, T replaced by C.
Protein change: p.Asn402=; no amino-acid change (asparagine 402 retained).
Molecular consequence: synonymous variant.
Genome position (GRCh38, 1-based): chr14:94,378,500, A>G on the plus strand (T>C on the coding strand, the complement: SERPINA1 is on the minus strand). VCF-style: chr14-94378500-A-G. GRCh37 (hg19) VCF-style: chr14-94844837-A-G.
Other names: c.1206T>C, p.Asn402= (NM_001002235.3, NM_001002236.3, NM_001127700.2 and 7 more transcripts).
Identifiers: ClinVar variation 595455 (VCV000595455.22), dbSNP rs766128806, ClinGen allele CA7327252.